The following is an entry in ClinVar:

ClinVar aggregate classification (germline): Pathogenic. Review status: criteria provided, multiple submitters, no conflicts (2 of 4 stars). 3 submissions from 3 submitters: Pathogenic (3). Last evaluated 2026-01-30.

Conditions:
Autosomal recessive limb-girdle muscular dystrophy type 2C (LGMDR5). Also called: MUSCULAR DYSTROPHY, DUCHENNE-LIKE; MUSCULAR DYSTROPHY, LIMB-GIRDLE, AUTOSOMAL RECESSIVE 5. Identifiers: Orphanet 353, MedGen C0410173, MONDO:0009677, OMIM 253700. Disease mechanism: Affects gamma-sarcoglycan and also disrupts the integrity of the entire sarcoglycan complex..

Submissions (3):

3billion
Classification: Pathogenic for Autosomal recessive limb-girdle muscular dystrophy type 2C. Last evaluated: 2026-01-30. Review status: criteria provided, single submitter. Criteria: ACMG Guidelines, 2015. Collection method: clinical testing. Allele origin: germline. Affected: yes.
Comment: The variant is not observed in the gnomAD v4.1.0 dataset. Predicted Consequence/Location: Frameshift: predicted to result in a loss or disruption of normal protein function through nonsense-mediated decay (NMD) or protein truncation. Multiple pathogenic variants are reported downstream of the variant. The variant has been reported to be associated with SGCG-related disorder (ClinVar ID: VCV002678708 /PMID: 12532930). Therefore, this variant is classified as Pathogenic according to the recommendation of ACMG/AMP guideline.

Myriad Genetics, Inc.
Classification: Pathogenic for Autosomal recessive limb-girdle muscular dystrophy type 2C. Last evaluated: 2025-09-29. Review status: criteria provided, single submitter. Criteria: Myriad Autosomal Dominant, Autosomal Recessive and X-Linked Classification Criteria (2023). Collection method: clinical testing. Allele origin: unknown.
Comment: NM_000231.2(SGCG):c.582dupA(E195Rfs*25) is a frameshift variant classified as pathogenic in the context of gamma-sarcoglycanopathy. E195Rfs*25 has been observed in cases with relevant disease (PMID: 12532930, 18285821). Relevant functional assessments of this variant are not available in the literature. Internal structural analysis of the variant is supportive of pathogenicity. E195Rfs*25 has not been observed in referenced population frequency databases. In summary, NM_000231.2(SGCG):c.582dupA(E195Rfs*25) is a frameshift variant that has internal structural support for pathogenicity and has been observed more frequently in cases with the relevant disease than in healthy populations. Please note: this variant was assessed in the context of healthy population screening.

Baylor Genetics
Classification: Pathogenic for Autosomal recessive limb-girdle muscular dystrophy type 2C. Last evaluated: 2023-06-30. Review status: criteria provided, single submitter. Criteria: ACMG Guidelines, 2015. Collection method: clinical testing. Allele origin: unknown.

Literature cited by the submitters: PubMed 12532930 (cited by 3billion and Myriad Genetics, Inc.); PubMed 18285821 (cited by Myriad Genetics, Inc.).

NM_000231.3(SGCG):c.582dup (p.Glu195fs)

Gene: SGCG (sarcoglycan gamma; plus strand). Cytogenetic location: 13q12.12.
Variant type: Duplication.
Coding change: c.582dup on transcript NM_000231.3 (MANE Select); coding-DNA position 582, one base duplicated (A; older notation c.582dupA).
Protein change: p.Glu195fs; shifts the reading frame from glutamic acid 195.
Molecular consequence: frameshift variant.
Genome position (GRCh38, 1-based): chr13:23,320,640, A duplicated. VCF-style (leftmost placement, unchanged base first): chr13-23320639-T-TA. GRCh37 (hg19) VCF-style: chr13-23894778-T-TA.
Other names: c.636dup, p.Glu213fs (NM_001378244.1); c.582dup, p.Glu195fs (NM_001378245.1, NM_001378246.1); short protein forms E195fs, E213fs.
Identifiers: ClinVar variation 2678708 (VCV002678708.3), dbSNP rs2542092554, ClinGen allele CA2695199196.